The following is an entry in ClinVar:

ClinVar aggregate classification (germline): Pathogenic (1 of 4 stars; one submission).

Conditions:
Cohen syndrome (COH1). Also called: Cutis verticis gyrata, retinitis pigmentosa, and sensorineural deafness; PEPPER SYNDROME. Identifiers: Orphanet 193, MedGen C0265223, MONDO:0008999, OMIM 216550.

gnomAD v4.1: 2 of 1,613,744 alleles (0.00012%); highest among the groups gnomAD compares: Non-Finnish European, 0.00017%; no homozygotes.

Submission:

Labcorp Genetics (formerly Invitae), Labcorp
Classification: Pathogenic for Cohen syndrome. Last evaluated: 2022-07-09. Review status: criteria provided, single submitter. Criteria: Invitae Variant Classification Sherloc (09022015). Collection method: clinical testing. Allele origin: germline.
Comment: For these reasons, this variant has been classified as Pathogenic. This variant has not been reported in the literature in individuals affected with VPS13B-related conditions. This variant is not present in population databases (gnomAD no frequency). This sequence change creates a premature translational stop signal (p.Ser2942*) in the VPS13B gene. It is expected to result in an absent or disrupted protein product. Loss-of-function variants in VPS13B are known to be pathogenic (PMID: 15141358, 16648375, 20461111).

Literature cited by the submitters: PubMed 15141358; PubMed 16648375; PubMed 20461111.

NM_152564.5(VPS13B):c.8750C>A (p.Ser2917Ter)

Gene: VPS13B (vacuolar protein sorting 13 homolog B; plus strand). Cytogenetic location: 8q22.2.
Variant type: single nucleotide variant.
Coding change: c.8750C>A on transcript NM_152564.5 (MANE Select); coding-DNA position 8750, C replaced by A.
Protein change: p.Ser2917Ter; replaces serine 2917 with a stop codon.
Molecular consequence: nonsense.
Genome position (GRCh38, 1-based): chr8:99,819,540, C>A. VCF-style: chr8-99819540-C-A. GRCh37 (hg19) VCF-style: chr8-100831768-C-A.
Other names: c.8825C>A, p.Ser2942Ter (NM_017890.5); short protein forms S2917*, S2942*.
Identifiers: ClinVar variation 1955796 (VCV001955796.5), dbSNP rs139732310, ClinGen allele CA371776554.
Genomic context (GRCh38, chr8:99,819,540, plus strand): 5'-AGGTACACCCTGGAGGCACAGTTAATCAGATCCTTGACGAATTCTATGGGCCAGAAAAGT[C>A]GCTTCAACCCATATGGCCCTATAATAAGAAGGATTCTGACAGGTAATATTCTTCAGTGAT-3'